The following is an entry in ClinVar:

ClinVar aggregate classification (germline): Uncertain significance (1 of 4 stars; one submission).

Conditions:
Werner syndrome (WRN). Identifiers: Orphanet 902, MedGen C0043119, MONDO:0010196, OMIM 277700.

gnomAD v4.1: 3 of 1,613,764 alleles (0.00019%); highest among the groups gnomAD compares: South Asian, 0.0011%; no homozygotes.

Submission:

Labcorp Genetics (formerly Invitae), Labcorp
Classification: Uncertain significance for Werner syndrome. Last evaluated: 2023-11-24. Review status: criteria provided, single submitter. Criteria: Invitae Variant Classification Sherloc (09022015). Collection method: clinical testing. Allele origin: germline.
Comment: This sequence change replaces threonine, which is neutral and polar, with isoleucine, which is neutral and non-polar, at codon 172 of the WRN protein (p.Thr172Ile). This variant is present in population databases (no rsID available, gnomAD 0.0009%). This variant has not been reported in the literature in individuals affected with WRN-related conditions. ClinVar contains an entry for this variant (Variation ID: 572726). Algorithms developed to predict the effect of missense changes on protein structure and function output the following: SIFT: "Not Available"; PolyPhen-2: "Benign"; Align-GVGD: "Not Available". The isoleucine amino acid residue is found in multiple mammalian species, which suggests that this missense change does not adversely affect protein function. In summary, the available evidence is currently insufficient to determine the role of this variant in disease. Therefore, it has been classified as a Variant of Uncertain Significance.

NM_000553.6(WRN):c.515C>T (p.Thr172Ile)

Gene: WRN (WRN RecQ like helicase; plus strand). Cytogenetic location: 8p12.
Variant type: single nucleotide variant.
Coding change: c.515C>T on transcript NM_000553.6 (MANE Select); coding-DNA position 515, C replaced by T.
Protein change: p.Thr172Ile; replaces threonine 172 with isoleucine.
Molecular consequence: missense variant.
Genome position (GRCh38, 1-based): chr8:31,067,043, C>T. VCF-style: chr8-31067043-C-T. GRCh37 (hg19) VCF-style: chr8-30924559-C-T.
Other names: short protein forms T172I.
Identifiers: ClinVar variation 572726 (VCV000572726.7), dbSNP rs777437332, ClinGen allele CA370915857.